The following is an entry in ClinVar:

NM_007272.3(CTRC):c.133A>T (p.Ile45Phe)

Gene: CTRC (chymotrypsin C; plus strand). Cytogenetic location: 1p36.21.
Variant type: single nucleotide variant.
Coding change: c.133A>T on transcript NM_007272.3 (MANE Select); coding-DNA position 133, A replaced by T.
Protein change: p.Ile45Phe; replaces isoleucine 45 with phenylalanine.
Molecular consequence: missense variant.
Genome position (GRCh38, 1-based): chr1:15,440,493, A>T. VCF-style: chr1-15440493-A-T. GRCh37 (hg19) VCF-style: chr1-15766989-A-T.
Other names: short protein forms I45F.
Identifiers: ClinVar variation 3226051 (VCV003226051.1), dbSNP rs2526289973, ClinGen allele CA338564879.
Genomic context (GRCh38, chr1:15,440,493, plus strand): 5'-GCGGGGTGAGGGTCCCAGGGACCTGCAGGCTGACACACAGCCCTCCCCACCCTCCTGCAG[A>T]TCTCCCTCCAGTACCTCAAGAACGACACGTGGAGGCATACGTGTGGCGGGACTTTGATTG-3'
Protein context (NP_009203.2, residues 35-55): DARPHSWPWQ[Ile45Phe]SLQYLKNDTW

ClinVar aggregate classification (germline): Uncertain significance (1 of 4 stars; one submission).

Conditions:
Hereditary pancreatitis (PCTT). Also called: Hereditary chronic pancreatitis; PRSS1-Related Hereditary Pancreatitis. Identifiers: Orphanet 676, MedGen C0238339, MONDO:0008185, OMIM 167800.

Allele frequency attached by ClinVar (database versions not stated): gnomAD exomes below 0.00001.

Submission:

Ambry Genetics
Classification: Uncertain significance for Hereditary pancreatitis. Last evaluated: 2023-09-17. Review status: criteria provided, single submitter. Criteria: Ambry Variant Classification Scheme 2023. Collection method: clinical testing. Allele origin: germline.
Comment: The p.I45F variant (also known as c.133A>T) is located in coding exon 3 of the CTRC gene. The isoleucine at codon 45 is replaced by phenylalanine, an amino acid with highly similar properties. This change occurs in the first base pair of coding exon 3. This amino acid position is conserved. In addition, the in silico prediction for this alteration is inconclusive. Since supporting evidence is limited at this time, the clinical significance of this alteration remains unclear.